The following is an entry in ClinVar:

NM_205850.3(SLC24A5):c.1425C>T (p.Tyr475=)

Genes: MYEF2 (myelin expression factor 2; minus strand), SLC24A5 (solute carrier family 24 member 5; plus strand). Cytogenetic location: 15q21.1.
Variant type: single nucleotide variant.
Coding change: c.1425C>T on transcript NM_205850.3 (MANE Select); coding-DNA position 1425, C replaced by T.
Protein change: p.Tyr475=; no amino-acid change (tyrosine 475 retained).
Molecular consequence: synonymous variant. On other transcripts: 3 prime UTR variant (2).
Genome position (GRCh38, 1-based): chr15:48,142,273, C>T. VCF-style: chr15-48142273-C-T. GRCh37 (hg19) VCF-style: chr15-48434470-C-T.
Other names: c.*635G>A (NM_001301210.2, NM_016132.5).
Identifiers: ClinVar variation 1346411 (VCV001346411.10), dbSNP rs181488402, ClinGen allele CA7546131.

ClinVar aggregate classification (germline): Likely benign. Review status: criteria provided, single submitter (1 of 4 stars). 2 submissions from 2 submitters: Likely benign (1). 1 of the submissions does not count toward it. Last evaluated 2024-10-29.

Conditions:
SLC24A5-related disorder. Also called: SLC24A5-related condition.

Allele frequency attached by ClinVar (database versions not stated): ExAC 0.00001; gnomAD 0.00001; gnomAD exomes 0.00001; TOPMed 0.00002; 1000 Genomes Project 0.00020; 1000 Genomes Project 30x 0.00031.
gnomAD v4.1: 14 of 1,613,562 alleles (0.00087%); highest among the groups gnomAD compares: Admixed American, 0.02%; no homozygotes.

Submissions (2):

Labcorp Genetics (formerly Invitae), Labcorp
Classification: Likely benign. Last evaluated: 2024-10-29. Review status: criteria provided, single submitter. Criteria: Invitae Variant Classification Sherloc (09022015). Collection method: clinical testing. Allele origin: germline.

PreventionGenetics, part of Exact Sciences
Classification: Likely benign for SLC24A5-related condition. Last evaluated: 2019-02-28. Review status: no assertion criteria provided. Collection method: clinical testing. Allele origin: germline. Not counted in ClinVar's aggregate classification.
Comment: This variant is classified as likely benign based on ACMG/AMP sequence variant interpretation guidelines (Richards et al. 2015 PMID: 25741868, with internal and published modifications).